The following is an entry in ClinVar:

ClinVar aggregate classification (germline): Benign/Likely benign. Review status: criteria provided, multiple submitters, no conflicts (2 of 4 stars). 4 submissions from 4 submitters: Benign (2); Likely benign (1). 1 of the submissions does not count toward it. Last evaluated 2026-01-15.

Conditions:
ANK3-related disorder. Also called: ANK3-related condition.
Intellectual developmental disorder, autosomal recessive 37. Also called: Intellectual disability-hypotonia-spasticity-sleep disorder syndrome. Identifiers: Orphanet 356996, MedGen C3809672, MONDO:0014210, OMIM 615493.

Allele frequency attached by ClinVar (database versions not stated): gnomAD 0.00024 and 0.00044; ExAC 0.00116; 1000 Genomes Project 0.00300; gnomAD exomes 0.00102 and 0.00055; 1000 Genomes Project 30x 0.00250; TOPMed 0.00054.
gnomAD v4.1: 839 of 1,611,958 alleles (0.052%); highest among the groups gnomAD compares: East Asian, 1.8%; 8 homozygotes.

Submissions (4):

Labcorp Genetics (formerly Invitae), Labcorp
Classification: Benign. Last evaluated: 2026-01-15. Review status: criteria provided, single submitter. Criteria: Invitae Variant Classification Sherloc (09022015). Collection method: clinical testing. Allele origin: germline.

CeGaT Center for Human Genetics Tuebingen
Classification: Benign. Last evaluated: 2023-12-01. Review status: criteria provided, single submitter. Criteria: CeGaT Center For Human Genetics Tuebingen Variant Classification Criteria Version 2. Collection method: clinical testing. Allele origin: germline. Affected: yes. Observed: 3 variant alleles.
Comment: ANK3: BS1, BS2

Fulgent Genetics
Classification: Likely benign for Intellectual developmental disorder, autosomal recessive 37. Last evaluated: 2021-12-13. Review status: criteria provided, single submitter. Criteria: ACMG Guidelines, 2015. Collection method: clinical testing. Allele origin: unknown.

PreventionGenetics, part of Exact Sciences
Classification: Benign for ANK3-related condition. Last evaluated: 2019-09-13. Review status: no assertion criteria provided. Collection method: clinical testing. Allele origin: germline. Not counted in ClinVar's aggregate classification.
Comment: This variant is classified as benign based on ACMG/AMP sequence variant interpretation guidelines (Richards et al. 2015 PMID: 25741868, with internal and published modifications).

NM_020987.5(ANK3):c.4403G>A (p.Arg1468His)

Gene: ANK3 (ankyrin 3; minus strand). Cytogenetic location: 10q21.2.
Variant type: single nucleotide variant.
Coding change: c.4403G>A on transcript NM_020987.5 (MANE Select); coding-DNA position 4403, G replaced by A.
Protein change: p.Arg1468His; replaces arginine 1468 with histidine.
Molecular consequence: missense variant.
Genome position (GRCh38, 1-based): chr10:60,080,566, C>T on the plus strand (G>A on the coding strand, the complement: ANK3 is on the minus strand). VCF-style: chr10-60080566-C-T. GRCh37 (hg19) VCF-style: chr10-61840324-C-T.
Other names: c.1778G>A, p.Arg593His (NM_001149.4); c.4358G>A, p.Arg1453His (NM_001204403.2); c.4379G>A, p.Arg1460His (NM_001204404.2); c.4376G>A, p.Arg1459His (NM_001320874.2); short protein forms R1460H, R593H, R1468H, R1459H, R1453H.
Identifiers: ClinVar variation 729719 (VCV000729719.36), dbSNP rs74777754, ClinGen allele CA5512214.